The following is an entry in ClinVar:

NM_018699.4(PRDM5):c.125A>C (p.Lys42Thr)

Gene: PRDM5 (PR/SET domain 5; minus strand). Cytogenetic location: 4q27.
Variant type: single nucleotide variant.
Coding change: c.125A>C on transcript NM_018699.4 (MANE Select); coding-DNA position 125, A replaced by C.
Protein change: p.Lys42Thr; replaces lysine 42 with threonine.
Molecular consequence: missense variant.
Genome position (GRCh38, 1-based): chr4:120,907,526, T>G on the plus strand (A>C on the coding strand, the complement: PRDM5 is on the minus strand). VCF-style: chr4-120907526-T-G. GRCh37 (hg19) VCF-style: chr4-121828681-T-G.
Other names: c.125A>C, p.Lys42Thr (NM_001300823.2, NM_001300824.2, NM_001379104.1 and 1 more transcripts); short protein forms K42T.
Identifiers: ClinVar variation 1220075 (VCV001220075.7), dbSNP rs1269597260, ClinGen allele CA358209643.

ClinVar aggregate classification (germline): Uncertain significance. Review status: criteria provided, multiple submitters, no conflicts (2 of 4 stars). 3 submissions from 3 submitters: Uncertain significance (3). Last evaluated 2025-06-10.

Conditions:
Cardiovascular phenotype. Identifiers: MedGen CN230736.
Ehlers-Danlos syndrome (EDS). Identifiers: Orphanet 98249, MedGen C0013720, MONDO:0020066.

Allele frequency attached by ClinVar (database versions not stated): TOPMed below 0.00001; gnomAD 0.00001.
gnomAD v4.1: 13 of 1,612,818 alleles (0.00081%); highest among the groups gnomAD compares: Non-Finnish European, 0.001%; no homozygotes.

Submissions (3):

Ambry Genetics
Classification: Uncertain significance for Cardiovascular phenotype. Last evaluated: 2025-06-10. Review status: criteria provided, single submitter. Criteria: Ambry Variant Classification Scheme 2023. Collection method: clinical testing. Allele origin: germline.
Comment: The p.K42T variant (also known as c.125A>C), located in coding exon 2 of the PRDM5 gene, results from an A to C substitution at nucleotide position 125. The lysine at codon 42 is replaced by threonine, an amino acid with similar properties. This amino acid position is conserved. In addition, this alteration is predicted to be tolerated by in silico analysis. Based on the available evidence, the clinical significance of this variant remains unclear.

Genome Diagnostics Laboratory, The Hospital for Sick Children
Classification: Uncertain significance for Ehlers-Danlos syndrome. Last evaluated: 2020-09-23. Review status: criteria provided, single submitter. Criteria: ACMG Guidelines, 2015. Collection method: clinical testing. Allele origin: germline.

GeneDx
Classification: Uncertain significance. Last evaluated: 2020-02-19. Review status: criteria provided, single submitter. Criteria: GeneDx Variant Classification Process June 2021. Collection method: clinical testing. Allele origin: germline. Affected: yes.
Comment: Has not been previously published as pathogenic or benign to our knowledge; Not observed in large population cohorts (Lek et al., 2016); In silico analysis supports that this missense variant does not alter protein structure/function